The following is an entry in ClinVar:

NM_015512.5(DNAH1):c.3740T>A (p.Leu1247Gln)

Gene: DNAH1 (dynein axonemal heavy chain 1; plus strand). Cytogenetic location: 3p21.1.
Variant type: single nucleotide variant.
Coding change: c.3740T>A on transcript NM_015512.5 (MANE Select); coding-DNA position 3740, T replaced by A.
Protein change: p.Leu1247Gln; replaces leucine 1247 with glutamine.
Molecular consequence: missense variant.
Genome position (GRCh38, 1-based): chr3:52,356,660, T>A. VCF-style: chr3-52356660-T-A. GRCh37 (hg19) VCF-style: chr3-52390676-T-A.
Other names: short protein forms L1247Q.
Identifiers: ClinVar variation 1896041 (VCV001896041.4), dbSNP rs773524962, ClinGen allele CA2433686.

ClinVar aggregate classification (germline): Uncertain significance (1 of 4 stars; one submission).

Conditions:
Spermatogenic failure 18. Identifiers: MedGen C4539783, MONDO:0054615, OMIM 617576.
Ciliary dyskinesia, primary, 37 (CILD37). Also called: CILIARY DYSKINESIA, PRIMARY, 37, WITH OR WITHOUT SITUS INVERSUS. Identifiers: MedGen C4539798, MONDO:0033204, OMIM 617577.

Allele frequency attached by ClinVar (database versions not stated): ExAC 0.00001; gnomAD 0.00001; gnomAD exomes 0.00001.
gnomAD v4.1: 15 of 1,613,744 alleles (0.00093%); highest among the groups gnomAD compares: Non-Finnish European, 0.0012%; no homozygotes.

Submission:

Labcorp Genetics (formerly Invitae), Labcorp
Classification: Uncertain significance for Ciliary dyskinesia, primary, 37; Spermatogenic failure 18. Last evaluated: 2022-04-08. Review status: criteria provided, single submitter. Criteria: Invitae Variant Classification Sherloc (09022015). Collection method: clinical testing. Allele origin: germline.
Comment: In summary, the available evidence is currently insufficient to determine the role of this variant in disease. Therefore, it has been classified as a Variant of Uncertain Significance. Advanced modeling of protein sequence and biophysical properties (such as structural, functional, and spatial information, amino acid conservation, physicochemical variation, residue mobility, and thermodynamic stability) performed at Invitae indicates that this missense variant is expected to disrupt DNAH1 protein function. This variant has not been reported in the literature in individuals affected with DNAH1-related conditions. This variant is present in population databases (rs773524962, gnomAD 0.003%). This sequence change replaces leucine, which is neutral and non-polar, with glutamine, which is neutral and polar, at codon 1247 of the DNAH1 protein (p.Leu1247Gln).